The following is an entry in ClinVar:

NM_001875.5(CPS1):c.1891G>T (p.Glu631Ter)

Gene: CPS1 (carbamoyl-phosphate synthase 1; plus strand). Cytogenetic location: 2q34.
Variant type: single nucleotide variant.
Coding change: c.1891G>T on transcript NM_001875.5 (MANE Select); coding-DNA position 1891, G replaced by T.
Protein change: p.Glu631Ter; replaces glutamic acid 631 with a stop codon.
Molecular consequence: nonsense. On other transcripts: non-coding transcript variant (2).
Genome position (GRCh38, 1-based): chr2:210,605,156, G>T. VCF-style: chr2-210605156-G-T. GRCh37 (hg19) VCF-style: chr2-211469880-G-T.
Other names: c.1891G>T, p.Glu631Ter (NM_001122633.3, NM_001369257.1); c.1924G>T, p.Glu642Ter (NM_001369256.1); short protein forms E631*, E642*.
Identifiers: ClinVar variation 1949944 (VCV001949944.5), dbSNP rs1339003853, ClinGen allele CA350437909.

ClinVar aggregate classification (germline): Pathogenic (1 of 4 stars; one submission).

Conditions:
Congenital hyperammonemia, type I. Also called: CPS I DEFICIENCY; Carbamoyl phosphate synthetase I deficiency disease; Carbamoyl-phosphate synthase I deficiency; Carbamoyl phosphate synthetase 1 deficiency; Hyperammonemia due to carbamoyl phosphate synthetase 1 deficiency; CPS 1 deficiency. Identifiers: Orphanet 147, MedGen C4082171, MONDO:0009376, OMIM 237300.

Allele frequency attached by ClinVar (database versions not stated): gnomAD exomes below 0.00001.
gnomAD v4.1: 2 of 1,612,160 alleles (0.00012%); highest among the groups gnomAD compares: Non-Finnish European, 0.00017%; no homozygotes.

Submission:

Labcorp Genetics (formerly Invitae), Labcorp
Classification: Pathogenic for Congenital hyperammonemia, type I. Last evaluated: 2022-08-06. Review status: criteria provided, single submitter. Criteria: Invitae Variant Classification Sherloc (09022015). Collection method: clinical testing. Allele origin: germline.
Comment: This variant has not been reported in the literature in individuals affected with CPS1-related conditions. For these reasons, this variant has been classified as Pathogenic. This variant is present in population databases (no rsID available, gnomAD 0.002%). This sequence change creates a premature translational stop signal (p.Glu631*) in the CPS1 gene. It is expected to result in an absent or disrupted protein product. Loss-of-function variants in CPS1 are known to be pathogenic (PMID: 21120950).

Literature cited by the submitters: PubMed 21120950.